The following is an entry in ClinVar:

NM_033004.4(NLRP1):c.2804del (p.Asp935fs)

Gene: NLRP1 (NLR family pyrin domain containing 1; minus strand). Cytogenetic location: 17p13.2.
Variant type: Deletion.
Coding change: c.2804del on transcript NM_033004.4 (MANE Select); coding-DNA position 2804, one base deleted (A; older notation c.2804delA).
Protein change: p.Asp935fs; shifts the reading frame from aspartic acid 935.
Molecular consequence: frameshift variant.
Genome position (GRCh38, 1-based): chr17:5,539,481, T deleted on the plus strand (A on the coding strand, the reverse complement: NLRP1 is on the minus strand). VCF-style (leftmost placement, unchanged base first): chr17-5539480-AT-A. GRCh37 (hg19) VCF-style: chr17-5442800-AT-A.
Other names: c.2804del, p.Asp935fs (NM_001033053.3, NM_014922.5, NM_033006.4 and 1 more transcripts); short protein forms D935fs.
Identifiers: ClinVar variation 4703533 (VCV004703533.1).

ClinVar aggregate classification (germline): Uncertain significance (1 of 4 stars; one submission).

Submission:

Labcorp Genetics (formerly Invitae), Labcorp
Classification: Uncertain significance. Last evaluated: 2025-02-10. Review status: criteria provided, single submitter. Criteria: Invitae Variant Classification Sherloc (09022015). Collection method: clinical testing. Allele origin: germline.
Comment: This sequence change creates a premature translational stop signal (p.Asp935Valfs*29) in the NLRP1 gene. It is expected to result in an absent or disrupted protein product. However, the current clinical and genetic evidence is not sufficient to establish whether loss-of-function variants in NLRP1 cause disease. This variant is not present in population databases (gnomAD no frequency). This variant has not been reported in the literature in individuals affected with NLRP1-related conditions. In summary, the available evidence is currently insufficient to determine the role of this variant in disease. Therefore, it has been classified as a Variant of Uncertain Significance.